The following is an entry in ClinVar:

NM_019888.3(MC3R):c.734_736dup (p.Thr245_Ile246insThr)

Gene: MC3R (melanocortin 3 receptor; plus strand). Cytogenetic location: 20q13.2.
Variant type: Duplication.
Coding change: c.734_736dup on transcript NM_019888.3 (MANE Select); coding-DNA positions 734 to 736, 3 bases duplicated (CCA; older notation c.734_736dupCCA).
Protein change: p.Thr245_Ile246insThr.
Molecular consequence: inframe insertion.
Genome position (GRCh38, 1-based): chr20:56,249,577-56,249,579, CCA duplicated; duplicating any 3 consecutive bases within chr20:56,249,575-56,249,579 gives the same sequence; the c. name uses the placement nearest the transcript's 3' end. VCF-style (leftmost placement, unchanged base first): chr20-56249574-T-TCAC. GRCh37 (hg19) VCF-style: chr20-54824630-T-TCAC.
Other names: c.734_736dupCCA (NM_019888.3).
Identifiers: ClinVar variation 4993101 (VCV004993101.1).

ClinVar aggregate classification (germline): Uncertain significance (1 of 4 stars; one submission).

Conditions:
MC3R-related disorder. Also called: MC3R-related condition.

Submission:

PreventionGenetics, part of Exact Sciences
Classification: Uncertain significance for MC3R-related condition. Last evaluated: 2026-06-15. Review status: criteria provided, single submitter. Criteria: ACMG Guidelines, 2015. Collection method: clinical testing. Allele origin: germline.
Comment: The MC3R c.734_736dupCCA variant is predicted to result in an in-frame duplication (p.Thr245dup). To our knowledge, this variant has not been reported in the literature or in a large population database (gnomAD), indicating this variant is rare. At this time, the clinical significance of this variant is uncertain due to the absence of conclusive functional and genetic evidence.